The following is an entry in ClinVar:

ClinVar aggregate classification (germline): Uncertain significance (1 of 4 stars; one submission).

Conditions:
Intellectual developmental disorder, autosomal dominant 1. Also called: MBD5 Haploinsufficiency; Intellectual disability, autosomal dominant 1. Identifiers: Orphanet 228402, MedGen C1969562, MONDO:0007974, OMIM 156200.

Submission:

Institute of Human Genetics, University of Leipzig Medical Center
Classification: Uncertain significance for Intellectual developmental disorder, autosomal dominant 1. Last evaluated: 2024-09-26. Review status: criteria provided, single submitter. Criteria: ACMG Guidelines, 2015. Collection method: clinical testing. Allele origin: unknown. Affected: yes.
Comment: Criteria applied: PM2,PP2,PP3

NM_020791.4(TAOK1):c.518C>T (p.Ala173Val)

Gene: TAOK1 (TAO kinase 1; plus strand). Cytogenetic location: 17q11.2.
Variant type: single nucleotide variant.
Coding change: c.518C>T on transcript NM_020791.4 (MANE Select); coding-DNA position 518, C replaced by T.
Protein change: p.Ala173Val; replaces alanine 173 with valine.
Molecular consequence: missense variant.
Genome position (GRCh38, 1-based): chr17:29,480,436, C>T. VCF-style: chr17-29480436-C-T. GRCh37 (hg19) VCF-style: chr17-27807454-C-T.
Other names: c.518C>T, p.Ala173Val (NM_025142.1); short protein forms A173V.
Identifiers: ClinVar variation 3359097 (VCV003359097.2).